The following is an entry in ClinVar:

ClinVar aggregate classification (germline): Uncertain significance (1 of 4 stars; one submission).

gnomAD v4.1: 1 of 1,613,120 alleles (0.000062%); highest among the groups gnomAD compares: South Asian, 0.0011%; no homozygotes.

Submission:

Labcorp Genetics (formerly Invitae), Labcorp
Classification: Uncertain significance. Last evaluated: 2022-07-05. Review status: criteria provided, single submitter. Criteria: Invitae Variant Classification Sherloc (09022015). Collection method: clinical testing. Allele origin: germline.
Comment: This sequence change replaces glutamine, which is neutral and polar, with proline, which is neutral and non-polar, at codon 889 of the EMC1 protein (p.Gln889Pro). In summary, the available evidence is currently insufficient to determine the role of this variant in disease. Therefore, it has been classified as a Variant of Uncertain Significance. Algorithms developed to predict the effect of missense changes on protein structure and function are either unavailable or do not agree on the potential impact of this missense change (SIFT: "Tolerated"; PolyPhen-2: "Possibly Damaging"; Align-GVGD: "Class C0"). ClinVar contains an entry for this variant (Variation ID: 1479648). This variant has not been reported in the literature in individuals affected with EMC1-related conditions. This variant is not present in population databases (gnomAD no frequency).

NM_015047.3(EMC1):c.2666A>C (p.Gln889Pro)

Genes: EMC1 (ER membrane protein complex subunit 1; minus strand), EMC1-AS1 (EMC1 antisense RNA 1; plus strand). Cytogenetic location: 1p36.13.
Variant type: single nucleotide variant.
Coding change: c.2666A>C on transcript NM_015047.3 (MANE Select); coding-DNA position 2666, A replaced by C.
Protein change: p.Gln889Pro; replaces glutamine 889 with proline.
Molecular consequence: missense variant.
Genome position (GRCh38, 1-based): chr1:19,220,770, T>G on the plus strand (A>C on the coding strand, the complement: EMC1 is on the minus strand). VCF-style: chr1-19220770-T-G. GRCh37 (hg19) VCF-style: chr1-19547264-T-G.
Other names: c.2663A>C, p.Gln888Pro (NM_001271427.2, NM_001271428.2); c.2600A>C, p.Gln867Pro (NM_001271429.2); c.2675A>C, p.Gln892Pro (NM_001375820.1); c.2672A>C, p.Gln891Pro (NM_001375821.1); short protein forms Q892P, Q891P, Q889P, Q867P, Q888P.
Identifiers: ClinVar variation 1479648 (VCV001479648.6), dbSNP rs2151935362, ClinGen allele CA338751537.